The following is an entry in ClinVar:

ClinVar aggregate classification (germline): Pathogenic. Review status: reviewed by expert panel (3 of 4 stars). 30 submissions from 29 submitters: Pathogenic (1). 29 of the submissions do not count toward it. Last evaluated 2016-09-08.

Conditions:
BRCA1-related disorder. Also called: BRCA1-related condition.
BRCA1-related cancer predisposition. Identifiers: MedGen CN377757, MONDO:0700268.
Breast and/or ovarian cancer. Identifiers: MedGen CN221562.
Hereditary cancer-predisposing syndrome. Also called: Tumor predisposition; Neoplastic Syndromes, Hereditary; Hereditary Cancer Syndrome; Hereditary neoplastic syndrome. Identifiers: Orphanet 140162, MedGen C0027672, MeSH D009386, MONDO:0015356.
Hereditary breast ovarian cancer syndrome. Also called: Hereditary breast and ovarian cancer syndrome (HBOC); Hereditary breast and ovarian cancer syndrome; Hereditary breast and ovarian cancer; Hereditary breast and/or ovarian cancer syndrome; Breast and ovarian cancer; BRCA1- and BRCA2-Associated Hereditary Breast and Ovarian Cancer. Identifiers: Orphanet 145, MedGen C0677776, MeSH D061325, MONDO:0003582. Disease mechanism: loss of function.
Ovarian neoplasm. Also called: Ovarian tumor; Neoplasm of ovary; Ovarian Neoplasms. Identifiers: MedGen C0919267, MeSH D010051, MONDO:0021068, HP:0100615.
Breast-ovarian cancer, familial, susceptibility to, 1 (BROVCA1). Also called: OVARIAN CANCER, SUSCEPTIBILITY TO; BRCA1 Hereditary Breast and Ovarian Cancer. Identifiers: Orphanet 145, MedGen C2676676, MONDO:0011450, OMIM 604370. Disease mechanism: loss of function.
Malignant tumor of breast. Also called: Malignant breast neoplasm; Cancer breast. Identifiers: MedGen C0006142, MONDO:0007254. Disease mechanism: loss of function.
Familial cancer of breast. Also called: Hereditary breast cancer; hereditary breast carcinoma; BREAST CANCER, FAMILIAL. Identifiers: Orphanet 227535, MedGen C0346153, MONDO:0016419, OMIM 114480. Disease mechanism: loss of function.

Allele frequency attached by ClinVar (database versions not stated): gnomAD exomes below 0.00001; TOPMed below 0.00001; ExAC 0.00001.

Submissions 1 to 6 of 30:

Evidence-based Network for the Interpretation of Germline Mutant Alleles (ENIGMA)
Classification: Pathogenic for Breast-ovarian cancer, familial, susceptibility to, 1. Last evaluated: 2016-09-08. Review status: reviewed by expert panel. Criteria: ENIGMA BRCA1/2 Classification Criteria (2015). Collection method: curation. Allele origin: germline.
Comment: Variant allele predicted to encode a truncated non-functional protein.

Labcorp Genetics (formerly Invitae), Labcorp
Classification: Pathogenic for Hereditary breast ovarian cancer syndrome. Last evaluated: 2026-01-13. Review status: criteria provided, single submitter. Criteria: Invitae Variant Classification Sherloc (09022015). Collection method: clinical testing. Allele origin: germline. Not counted in ClinVar's aggregate classification.
Comment: This sequence change creates a premature translational stop signal (p.Ser1655Tyrfs*16) in the BRCA1 gene. It is expected to result in an absent or disrupted protein product. Loss-of-function variants in BRCA1 are known to be pathogenic (PMID: 20104584). This variant is not present in population databases (gnomAD no frequency). This premature translational stop signal has been observed in individual(s) with breast and ovarian cancer (PMID: 9145677, 11462242, 11938448, 16847550, 17221156, 18159056, 23199084, 26219728, 26681312). This variant is also known as 5083del19. ClinVar contains an entry for this variant (Variation ID: 37616). For these reasons, this variant has been classified as Pathogenic.

Institute of Immunology and Genetics Kaiserslautern
Classification: Pathogenic for Breast-ovarian cancer, familial, susceptibility to, 1. Last evaluated: 2025-07-29. Review status: criteria provided, single submitter. Criteria: ACMG Guidelines, 2015. Collection method: clinical testing. Allele origin: germline. Affected: yes. Not counted in ClinVar's aggregate classification.
Comment: ACMG Criteria: PVS1, PS4, PM2, PP5_M.

Ambry Genetics
Classification: Pathogenic for Hereditary cancer-predisposing syndrome. Last evaluated: 2025-04-17. Review status: criteria provided, single submitter. Criteria: Ambry Variant Classification Scheme 2023. Collection method: clinical testing. Allele origin: germline. Not counted in ClinVar's aggregate classification.
Comment: The c.4964_4982del19 pathogenic mutation, located in coding exon 14 of the BRCA1 gene, results from a deletion of 19 nucleotides between nucleotide positions 4964 and 4982, causing a translational frameshift with a predicted alternate stop codon (p.S1655Yfs*16). This alteration has been reported in multiple families with hereditary breast and ovarian cancer (HBOC) syndrome and has also been established as a founder mutation of Southern Italian origin (Couch FJ et al. N. Engl. J. Med. 1997 May;336:1409-15; Baudi F et al. Hum. Mutat. 2001 Aug;18:163-4; Janaviius R. EPMA J. 2010 Sep;1:397-412; Russo A et al. Breast Cancer Res. Treat. 2009 Jan;113:67-70; Finch A et al. Clin. Genet. 2016 Mar;89:304-11). This alteration was identified in 1/10030 consecutive patients referred for evaluation by an NGS hereditary cancer panel (Susswein LR et al. Genet. Med. 2016 08;18:823-32). Of note, this alteration is also designated as 5083del19 in published literature. This variant is considered to be rare based on population cohorts in the Genome Aggregation Database (gnomAD). In addition to the clinical data presented in the literature, this alteration is expected to result in loss of function by premature protein truncation or nonsense-mediated mRNA decay. As such, this alteration is interpreted as a disease-causing mutation.

Mayo Clinic Laboratories, Mayo Clinic
Classification: Pathogenic. Last evaluated: 2025-02-07. Review status: criteria provided, single submitter. Criteria: ACMG Guidelines, 2015. Collection method: clinical testing. Allele origin: germline. Observed: 4 variant alleles. Not counted in ClinVar's aggregate classification.
Comment: PP5, PM2_moderate, PS4_moderate, PVS1

All of Us Research Program, National Institutes of Health
Classification: Pathogenic for BRCA1-related cancer predisposition. Last evaluated: 2024-09-25. Review status: criteria provided, single submitter. Criteria: ACMG Guidelines, 2015. Collection method: clinical testing. Allele origin: germline. Inheritance: Autosomal dominant inheritance. Observed: 5 variant alleles, 5 heterozygotes. Not counted in ClinVar's aggregate classification.
Comment: This variant deletes 19 nucleotides in exon 15 of the BRCA1 gene, creating a frameshift and premature translation stop signal. This variant is expected to result in an absent or non-functional protein product. This variant has been reported in at least ten individuals affected with breast and/or ovarian cancer (PMID: 11462242, 16847550, 17221156, 18159056, 22711857, 26681312, 32854451) and in several dozens of suspected hereditary breast and ovarian cancer families (PMID: 9145677, 11938448, 26219728, 29446198, 30736435, 36329109). A haplotype analysis has indicated that this is a recurrent mutation and a possible founder mutation in Italy (PMID: 18228134). This variant has not been identified in the general population by the Genome Aggregation Database (gnomAD). Loss of BRCA1 function is a known mechanism of disease. Based on the available evidence, this variant is classified as Pathogenic.

This study involves interpretation of variants in research participants for the purpose of population health screening. Participant phenotype was not available at the time of variant classification. Additional details can be found in publication PMID: 35346344, PMCID: PMC8962531

NM_007294.4(BRCA1):c.4964_4982del (p.Ser1655fs)

Gene: BRCA1 (BRCA1 DNA repair associated; minus strand). Cytogenetic location: 17q21.31.
Variant type: Deletion.
Coding change: c.4964_4982del on transcript NM_007294.4 (MANE Select); coding-DNA positions 4964 to 4982, 19 bases deleted (CTGGCCTGACCCCAGAAGA).
Protein change: p.Ser1655fs; shifts the reading frame from serine 1655.
Molecular consequence: frameshift variant. On other transcripts: non-coding transcript variant (1).
Genome position (GRCh38, 1-based): chr17:43,070,932-43,070,950, TCTTCTGGGGTCAGGCCAG deleted on the plus strand (CTGGCCTGACCCCAGAAGA on the coding strand, the reverse complement: BRCA1 is on the minus strand). VCF-style (leftmost placement, unchanged base first): chr17-43070931-TTCTTCTGGGGTCAGGCCAG-T. GRCh37 (hg19) VCF-style: chr17-41222948-TTCTTCTGGGGTCAGGCCAG-T.
Other names: 5083del19; c.4964_4982delCTGGCCTGACCCCAGAAGA (NM_007294.3); c.1721_1739del19, p.Ser574Tyrfs (NM_001407971.1, NM_001407970.1); c.1718_1736del19, p.Ser573Tyrfs (NM_001407972.1); c.1655_1673del19, p.Ser552Tyrfs (NM_001407973.1, NM_001407974.1, NM_001407975.1 and 3 more transcripts); c.1652_1670del19, p.Ser551Tyrfs (NM_001407979.1, NM_001407980.1, NM_001407981.1 and 12 more transcripts); c.1649_1667del19, p.Ser550Tyrfs (NM_001408392.1, NM_001408396.1, NM_001408397.1 and 8 more transcripts); c.1646_1664del19, p.Ser549Tyrfs (NM_001408406.1, NM_001408407.1, NM_001408408.1); and 75 more; short protein forms S551fs, S1655fs, S1608fs, S1676fs.
Identifiers: ClinVar variation 37616 (VCV000037616.89), dbSNP rs80359876, ClinGen allele CA003108.
Genomic context (GRCh38, chr17:43,070,931, plus strand): 5'-CTTTCCAGAATGTTGTTAAGTCTTAGTCATTAGGGAGATACATATGGATACACTCACAAA[TTCTTCTGGGGTCAGGCCAG>T]ACACCACCATGGACATTCTTTTGTTGACCCTTTCTGTTGAAGCTGTCAATTCTGGCTTCT-3'